The following is an entry in ClinVar:

NM_005655.4(KLF10):c.607G>T (p.Ala203Ser)

Gene: KLF10 (KLF transcription factor 10; minus strand). Cytogenetic location: 8q22.3.
Variant type: single nucleotide variant.
Coding change: c.607G>T on transcript NM_005655.4 (MANE Select); coding-DNA position 607, G replaced by T.
Protein change: p.Ala203Ser; replaces alanine 203 with serine.
Molecular consequence: missense variant.
Genome position (GRCh38, 1-based): chr8:102,651,725, C>A on the plus strand (G>T on the coding strand, the complement: KLF10 is on the minus strand). VCF-style: chr8-102651725-C-A. GRCh37 (hg19) VCF-style: chr8-103663953-C-A.
Other names: c.574G>T, p.Ala192Ser (NM_001032282.4); c.607G>T (NM_005655.2); short protein forms A192S, A203S.
Identifiers: ClinVar variation 1373684 (VCV001373684.7), dbSNP rs752591202, ClinGen allele CA4833569.
Genomic context (GRCh38, chr8:102,651,725, plus strand): 5'-TCTCATCAACATCTGCCACTGTGTTTCTCTCACATTTGGATCTGTTTGGTGACACAGCGG[C>A]ACATGGTATGTTCTTTCTTGCAGCCTCAACATTTAGGTGGGTTCTTCTTCTAAAAGAATT-3'
Protein context (NP_005646.1, residues 193-213): VEAARKNIPC[Ala203Ser]AVSPNRSKCE

ClinVar aggregate classification (germline): Uncertain significance. Review status: criteria provided, multiple submitters, no conflicts (2 of 4 stars). 2 submissions from 2 submitters: Uncertain significance (2). Last evaluated 2026-01-14.

Allele frequency attached by ClinVar (database versions not stated): gnomAD exomes 0.00003 and 0.00011; ExAC 0.00009; gnomAD 0.00011 and 0.00014; TOPMed 0.00015.
gnomAD v4.1: 70 of 1,614,106 alleles (0.0043%); highest among the groups gnomAD compares: Admixed American, 0.073%; no homozygotes.

Submissions (2):

Labcorp Genetics (formerly Invitae), Labcorp
Classification: Uncertain significance. Last evaluated: 2026-01-14. Review status: criteria provided, single submitter. Criteria: Invitae Variant Classification Sherloc (09022015). Collection method: clinical testing. Allele origin: germline.
Comment: This sequence change replaces alanine, which is neutral and non-polar, with serine, which is neutral and polar, at codon 203 of the KLF10 protein (p.Ala203Ser). This variant is present in population databases (rs752591202, gnomAD 0.08%), and has an allele count higher than expected for a pathogenic variant. This variant has not been reported in the literature in individuals affected with KLF10-related conditions. ClinVar contains an entry for this variant (Variation ID: 1373684). An algorithm developed to predict the effect of missense changes on protein structure and function (PolyPhen-2) suggests that this variant is likely to be tolerated. In summary, the available evidence is currently insufficient to determine the role of this variant in disease. Therefore, it has been classified as a Variant of Uncertain Significance.

Ambry Genetics
Classification: Uncertain significance. Last evaluated: 2024-09-08. Review status: criteria provided, single submitter. Criteria: Ambry Variant Classification Scheme 2023. Collection method: clinical testing. Allele origin: germline.